The following is an entry in ClinVar:

NM_015335.5(MED13L):c.1759C>G (p.Leu587Val)

Gene: MED13L (mediator complex subunit 13L; minus strand). Cytogenetic location: 12q24.21.
Variant type: single nucleotide variant.
Coding change: c.1759C>G on transcript NM_015335.5 (MANE Select); coding-DNA position 1759, C replaced by G.
Protein change: p.Leu587Val; replaces leucine 587 with valine.
Molecular consequence: missense variant.
Genome position (GRCh38, 1-based): chr12:116,008,654, G>C on the plus strand (C>G on the coding strand, the complement: MED13L is on the minus strand). VCF-style: chr12-116008654-G-C. GRCh37 (hg19) VCF-style: chr12-116446459-G-C.
Other names: short protein forms L587V.
Identifiers: ClinVar variation 2446701 (VCV002446701.1), dbSNP rs2499912060, ClinGen allele CA386895628.

ClinVar aggregate classification (germline): Uncertain significance (1 of 4 stars; one submission).

Allele frequency attached by ClinVar (database versions not stated): gnomAD exomes below 0.00001.
gnomAD v4.1: 3 of 1,614,070 alleles (0.00019%); highest among the groups gnomAD compares: Non-Finnish European, 0.00025%; no homozygotes.

Submission:

GeneDx
Classification: Uncertain significance. Last evaluated: 2022-10-03. Review status: criteria provided, single submitter. Criteria: GeneDx Variant Classification Process June 2021. Collection method: clinical testing. Allele origin: germline. Affected: yes.
Comment: Not observed at significant frequency in large population cohorts (gnomAD); In silico analysis supports that this missense variant does not alter protein structure/function; Has not been previously published as pathogenic or benign to our knowledge